The following is an entry in ClinVar:

ClinVar aggregate classification (germline): Uncertain significance (1 of 4 stars; one submission).

Conditions:
Hereditary cancer-predisposing syndrome. Also called: Neoplastic Syndromes, Hereditary; Tumor predisposition; Hereditary Cancer Syndrome; Hereditary neoplastic syndrome. Identifiers: Orphanet 140162, MedGen C0027672, MeSH D009386, MONDO:0015356.

Allele frequency attached by ClinVar (database versions not stated): gnomAD below 0.00001 and 0.00001; gnomAD exomes below 0.00001.
gnomAD v4.1: 2 of 1,613,858 alleles (0.00012%); highest among the groups gnomAD compares: South Asian, 0.0022%; no homozygotes.

Submission:

Labcorp Genetics (formerly Invitae), Labcorp
Classification: Uncertain significance for Hereditary cancer-predisposing syndrome. Last evaluated: 2021-12-02. Review status: criteria provided, single submitter. Criteria: Invitae Variant Classification Sherloc (09022015). Collection method: clinical testing. Allele origin: germline.
Comment: This sequence change replaces glutamine, which is neutral and polar, with arginine, which is basic and polar, at codon 668 of the RAD50 protein (p.Gln668Arg). This variant is not present in population databases (gnomAD no frequency). This variant has not been reported in the literature in individuals affected with RAD50-related conditions. ClinVar contains an entry for this variant (Variation ID: 457392). Algorithms developed to predict the effect of missense changes on protein structure and function are either unavailable or do not agree on the potential impact of this missense change (SIFT: "Tolerated"; PolyPhen-2: "Possibly Damaging"; Align-GVGD: "Class C0"). In summary, the available evidence is currently insufficient to determine the role of this variant in disease. Therefore, it has been classified as a Variant of Uncertain Significance.

NM_005732.4(RAD50):c.2003A>G (p.Gln668Arg)

Gene: RAD50 (RAD50 double strand break repair protein; plus strand). Cytogenetic location: 5q31.1.
Variant type: single nucleotide variant.
Coding change: c.2003A>G on transcript NM_005732.4 (MANE Select); coding-DNA position 2003, A replaced by G.
Protein change: p.Gln668Arg; replaces glutamine 668 with arginine.
Molecular consequence: missense variant.
Genome position (GRCh38, 1-based): chr5:132,595,606, A>G. VCF-style: chr5-132595606-A-G. GRCh37 (hg19) VCF-style: chr5-131931298-A-G.
Other names: short protein forms Q668R.
Identifiers: ClinVar variation 457392 (VCV000457392.7), dbSNP rs876660716, ClinGen allele CA360949321.